The following is an entry in ClinVar:

NM_001128178.3(NPHP1):c.1412C>T (p.Pro471Leu)

Gene: NPHP1 (nephrocystin 1; minus strand). Cytogenetic location: 2q13.
Variant type: single nucleotide variant.
Coding change: c.1412C>T on transcript NM_001128178.3 (MANE Select); coding-DNA position 1412, C replaced by T.
Protein change: p.Pro471Leu; replaces proline 471 with leucine.
Molecular consequence: missense variant.
Genome position (GRCh38, 1-based): chr2:110,144,510, G>A on the plus strand (C>T on the coding strand, the complement: NPHP1 is on the minus strand). VCF-style: chr2-110144510-G-A. GRCh37 (hg19) VCF-style: chr2-110902087-G-A.
Other names: c.1580C>T, p.Pro527Leu (NM_000272.5); c.1223C>T, p.Pro408Leu (NM_001128179.3); c.1409C>T, p.Pro470Leu (NM_001374256.1); c.1412C>T, p.Pro471Leu (NM_001374257.1); c.1577C>T, p.Pro526Leu (NM_207181.4); short protein forms P408L, P526L, P470L, P471L, P527L.
Identifiers: ClinVar variation 2014421 (VCV002014421.1), dbSNP rs1680874307, ClinGen allele CA348087454.

ClinVar aggregate classification (germline): Uncertain significance (1 of 4 stars; one submission).

Conditions:
Nephronophthisis. Also called: Juvenile Nephronophthisis. Identifiers: Orphanet 655, MedGen C0687120, MONDO:0019005, HP:0000090.

gnomAD v4.1: 1 of 1,605,320 alleles (0.000062%); highest among the groups gnomAD compares: East Asian, 0.0022%; no homozygotes.

Submission:

Labcorp Genetics (formerly Invitae), Labcorp
Classification: Uncertain significance for Nephronophthisis. Last evaluated: 2022-07-06. Review status: criteria provided, single submitter. Criteria: Invitae Variant Classification Sherloc (09022015). Collection method: clinical testing. Allele origin: germline.
Comment: This sequence change replaces proline, which is neutral and non-polar, with leucine, which is neutral and non-polar, at codon 527 of the NPHP1 protein (p.Pro527Leu). This variant is not present in population databases (gnomAD no frequency). This variant has not been reported in the literature in individuals affected with NPHP1-related conditions. Algorithms developed to predict the effect of missense changes on protein structure and function are either unavailable or do not agree on the potential impact of this missense change (SIFT: "Deleterious"; PolyPhen-2: "Probably Damaging"; Align-GVGD: "Class C0"). In summary, the available evidence is currently insufficient to determine the role of this variant in disease. Therefore, it has been classified as a Variant of Uncertain Significance.